The following is an entry in ClinVar:

ClinVar aggregate classification (germline): Uncertain significance. Review status: criteria provided, multiple submitters, no conflicts (2 of 4 stars). 2 submissions from 2 submitters: Uncertain significance (2). Last evaluated 2024-10-16.

Conditions:
Autoinflammation-PLCG2-associated antibody deficiency-immune dysregulation. Also called: Autoinflammation, antibody deficiency, and immune dysregulation, plcg2-associated; AUTOINFLAMMATION, ANTIBODY DEFICIENCY, AND IMMUNE DYSREGULATION; Autoinflammation, antibody deficiency, and immune dysregulation syndrome. Identifiers: Orphanet 324530, MedGen C3553961, MONDO:0013944, OMIM 614878.
Familial cold autoinflammatory syndrome 3 (FCAS3). Also called: ANTIBODY DEFICIENCY AND IMMUNE DYSREGULATION, PLCG2-ASSOCIATED; FAMILIAL ATYPICAL COLD URTICARIA. Identifiers: Orphanet 300359, MedGen C3280914, MONDO:0013766, OMIM 614468.

Allele frequency attached by ClinVar (database versions not stated): gnomAD 0.00001; gnomAD exomes 0.00001; ExAC 0.00002; TOPMed 0.00002.
gnomAD v4.1: 19 of 1,614,072 alleles (0.0012%); highest among the groups gnomAD compares: African/African-American, 0.004%; no homozygotes.

Submissions (2):

Labcorp Genetics (formerly Invitae), Labcorp
Classification: Uncertain significance for Familial cold autoinflammatory syndrome 3. Last evaluated: 2024-10-16. Review status: criteria provided, single submitter. Criteria: Invitae Variant Classification Sherloc (09022015). Collection method: clinical testing. Allele origin: germline.
Comment: This sequence change replaces arginine, which is basic and polar, with histidine, which is basic and polar, at codon 1001 of the PLCG2 protein (p.Arg1001His). This variant is present in population databases (rs752209691, gnomAD 0.004%). This variant has not been reported in the literature in individuals affected with PLCG2-related conditions. ClinVar contains an entry for this variant (Variation ID: 1014340). An algorithm developed to predict the effect of missense changes on protein structure and function (PolyPhen-2) suggests that this variant is likely to be tolerated. In summary, the available evidence is currently insufficient to determine the role of this variant in disease. Therefore, it has been classified as a Variant of Uncertain Significance.

Fulgent Genetics
Classification: Uncertain significance for Familial cold autoinflammatory syndrome 3; Autoinflammation-PLCG2-associated antibody deficiency-immune dysregulation. Last evaluated: 2022-03-16. Review status: criteria provided, single submitter. Criteria: ACMG Guidelines, 2015. Collection method: clinical testing. Allele origin: unknown.

NM_002661.5(PLCG2):c.3002G>A (p.Arg1001His)

Gene: PLCG2 (phospholipase C gamma 2; plus strand). Cytogenetic location: 16q23.3.
Variant type: single nucleotide variant.
Coding change: c.3002G>A on transcript NM_002661.5 (MANE Select); coding-DNA position 3002, G replaced by A.
Protein change: p.Arg1001His; replaces arginine 1001 with histidine.
Molecular consequence: missense variant.
Genome position (GRCh38, 1-based): chr16:81,936,328, G>A. VCF-style: chr16-81936328-G-A. GRCh37 (hg19) VCF-style: chr16-81969933-G-A.
Other names: short protein forms R1001H.
Identifiers: ClinVar variation 1014340 (VCV001014340.8), dbSNP rs752209691, ClinGen allele CA8194505.